The following is an entry in ClinVar:

ClinVar aggregate classification (germline): Benign/Likely benign. Review status: criteria provided, multiple submitters, no conflicts (2 of 4 stars). 2 submissions from 2 submitters: Benign (1); Likely benign (1). Last evaluated 2025-01-27.

Allele frequency attached by ClinVar (database versions not stated): ExAC 0.00001; gnomAD exomes 0.00001.
gnomAD v4.1: 20 of 1,610,258 alleles (0.0012%); highest among the groups gnomAD compares: Non-Finnish European, 0.0016%; no homozygotes.

Submissions (2):

Labcorp Genetics (formerly Invitae), Labcorp
Classification: Benign. Last evaluated: 2025-01-27. Review status: criteria provided, single submitter. Criteria: Invitae Variant Classification Sherloc (09022015). Collection method: clinical testing. Allele origin: germline.

Women's Health and Genetics/Laboratory Corporation of America, LabCorp
Classification: Likely benign. Last evaluated: 2024-12-05. Review status: criteria provided, single submitter. Criteria: LabCorp Variant Classification Summary - May 2015. Collection method: clinical testing. Allele origin: germline.
Comment: Variant summary: KIF2A c.401G>T (p.Gly134Val) results in a non-conservative amino acid change in the encoded protein sequence. Three of five in-silico tools predict a benign effect of the variant on protein function. The observed variant frequency within Non-Finnish European control individuals in the gnomAD database is approximately 16 fold of the estimated maximal expected allele frequency for a pathogenic variant in KIF2A causing Complex Cortical Dysplasia With Other Brain Malformations 3 phenotype (1e-06). To our knowledge, no occurrence of c.401G>T in individuals affected with Complex Cortical Dysplasia With Other Brain Malformations 3 and no experimental evidence demonstrating its impact on protein function have been reported. ClinVar contains an entry for this variant (Variation ID: 1406085). Based on the evidence outlined above, the variant was classified as likely benign.

NM_001098511.3(KIF2A):c.401G>T (p.Gly134Val)

Gene: KIF2A (kinesin family member 2A; plus strand). Cytogenetic location: 5q12.1.
Variant type: single nucleotide variant.
Coding change: c.401G>T on transcript NM_001098511.3 (MANE Select); coding-DNA position 401, G replaced by T.
Protein change: p.Gly134Val; replaces glycine 134 with valine.
Molecular consequence: missense variant. On other transcripts: splice donor variant (1).
Genome position (GRCh38, 1-based): chr5:62,352,654, G>T. VCF-style: chr5-62352654-G-T. GRCh37 (hg19) VCF-style: chr5-61648481-G-T.
Other names: c.320G>T, p.Gly107Val (NM_001243952.2); c.401G>T, p.Gly134Val (NM_004520.5); c.400+1G>T (NM_001243953.2); short protein forms G134V, G107V.
Identifiers: ClinVar variation 1406085 (VCV001406085.7), dbSNP rs773217410, ClinGen allele CA3278776.